The following is an entry in ClinVar:

NM_002017.5(FLI1):c.230+2T>C

Gene: FLI1 (Fli-1 proto-oncogene, ETS transcription factor; plus strand). Cytogenetic location: 11q24.3.
Variant type: single nucleotide variant.
Coding change: c.230+2T>C on transcript NM_002017.5 (MANE Select); the canonical splice donor site of the intron after coding-DNA position 230, T replaced by C.
Molecular consequence: splice donor variant.
Genome position (GRCh38, 1-based): chr11:128,758,328, T>C. VCF-style: chr11-128758328-T-C. GRCh37 (hg19) VCF-style: chr11-128628223-T-C.
Other names: c.10+2T>C (NM_001271012.2); c.131+2T>C (NM_001167681.3); c.-140+2T>C (NM_001271010.2).
Identifiers: ClinVar variation 3699570 (VCV003699570.2).
Genomic context (GRCh38, chr11:128,758,328, plus strand): 5'-ATCAATCAGCCAGTGAGGGTCAACGTCAAGCGGGAGTATGACCACATGAATGGATCCAGG[T>C]AAGCTCACCAGGCCTGTGCAGGATTGGGGGAAGGCACAAAGTCGCCAGATCTGCAGCAAG-3'

ClinVar aggregate classification (germline): Uncertain significance (1 of 4 stars; one submission).

gnomAD v4.1: 33 of 1,611,774 alleles (0.002%); highest among the groups gnomAD compares: Non-Finnish European, 0.0028%; no homozygotes.

Submissions (2):

Labcorp Genetics (formerly Invitae), Labcorp
Classification: Uncertain significance. Last evaluated: 2024-11-10. Review status: criteria provided, single submitter. Criteria: Invitae Variant Classification Sherloc (09022015). Collection method: clinical testing. Allele origin: germline.
Comment: This sequence change affects a donor splice site in intron 2 of the FLI1 gene. It is expected to disrupt RNA splicing. Variants that disrupt the donor or acceptor splice site typically lead to a loss of protein function (PMID: 16199547), however the current clinical and genetic evidence is not sufficient to establish whether loss-of-function variants in FLI1 cause disease. This variant is present in population databases (rs758762735, gnomAD 0.004%). This variant has not been reported in the literature in individuals affected with FLI1-related conditions. Algorithms developed to predict the effect of sequence changes on RNA splicing suggest that this variant may disrupt the consensus splice site. In summary, the available evidence is currently insufficient to determine the role of this variant in disease. Therefore, it has been classified as a Variant of Uncertain Significance.

Dr. Peter K. Rogan Lab, Western University
No classification provided (evidence only). Condition: Acute myeloid leukemia. Review status: no classification provided. Collection method: in vitro. Allele origin: not applicable. Functional consequence: skipped exon, retained intron. Not counted in ClinVar's aggregate classification.

Literature cited by the submitters: PubMed 16199547 (cited by Labcorp Genetics (formerly Invitae), Labcorp).